The following is an entry in ClinVar:

NM_000439.5(PCSK1):c.2215G>A (p.Asp739Asn)

Genes: CAST (calpastatin; plus strand), PCSK1 (proprotein convertase subtilisin/kexin type 1; minus strand), LOC101929710 (uncharacterized LOC101929710; plus strand). Cytogenetic location: 5q15.
Variant type: single nucleotide variant.
Coding change: c.2215G>A on transcript NM_000439.5 (MANE Select); coding-DNA position 2215, G replaced by A.
Protein change: p.Asp739Asn; replaces aspartic acid 739 with asparagine.
Molecular consequence: missense variant. On other transcripts: intron variant (11).
Genome position (GRCh38, 1-based): chr5:96,393,048, C>T on the plus strand (G>A on the coding strand, the complement: PCSK1 is on the minus strand). VCF-style: chr5-96393048-C-T. GRCh37 (hg19) VCF-style: chr5-95728752-C-T.
Other names: c.2074G>A, p.Asp692Asn (NM_001177875.2); c.-175+13396C>T (NM_001423254.1, NM_001423259.1, NM_001423255.1 and 6 more transcripts); c.-103+13396C>T (NM_001423253.1); c.-40+13396C>T (NM_001423258.1); short protein forms D692N, D739N.
Identifiers: ClinVar variation 4982696 (VCV004982696.1).

ClinVar aggregate classification (germline): Uncertain significance (1 of 4 stars; one submission).

Conditions:
PCSK1-related disorder. Also called: PCSK1-related condition.

gnomAD v4.1: 23 of 1,613,954 alleles (0.0014%); highest among the groups gnomAD compares: East Asian, 0.0022%; no homozygotes.

Submission:

PreventionGenetics, part of Exact Sciences
Classification: Uncertain significance for PCSK1-related condition. Last evaluated: 2024-12-02. Review status: criteria provided, single submitter. Criteria: ACMG Guidelines, 2015. Collection method: clinical testing. Allele origin: germline.
Comment: The PCSK1 c.2215G>A variant is predicted to result in the amino acid substitution p.Asp739Asn. This variant was observed in a cohort of individuals with obesity, and in vitro functional studies showed this variant did not reduce protein function and could cause increased function (Supplemental Data Set, Shah et al. 2023. PubMed ID: 36864747). This variant is reported in 0.0062% of alleles in individuals of African descent in gnomAD. At this time, the clinical significance of this variant is uncertain due to the absence of conclusive functional and genetic evidence.